The following is an entry in ClinVar:

NM_024120.5(NDUFAF5):c.823_840del (p.His275_Leu280del)

Gene: NDUFAF5 (NADH:ubiquinone oxidoreductase complex assembly factor 5; plus strand). Cytogenetic location: 20p12.1.
Variant type: Deletion.
Coding change: c.823_840del on transcript NM_024120.5 (MANE Select); coding-DNA positions 823 to 840, 18 bases deleted (CATCGAGACACAATGCTG).
Protein change: p.His275_Leu280del.
Molecular consequence: inframe deletion. On other transcripts: non-coding transcript variant (7).
Genome position (GRCh38, 1-based): chr20:13,816,507-13,816,524, CATCGAGACACAATGCTG deleted; deleting any 18 consecutive bases within chr20:13,816,502-13,816,524 gives the same sequence; the c. name uses the placement nearest the transcript's 3' end. VCF-style (leftmost placement, unchanged base first): chr20-13816501-CTGCTGCATCGAGACACAA-C. GRCh37 (hg19) VCF-style: chr20-13797147-CTGCTGCATCGAGACACAA-C.
Other names: c.739_756del, p.His247_Leu252del (NM_001039375.3); c.352_369del, p.His118_Leu123del (NM_001352403.2); c.262_279del, p.His88_Leu93del (NM_001352406.2, NM_001352407.2).
Identifiers: ClinVar variation 2728796 (VCV002728796.3), dbSNP rs2516270551, ClinGen allele CA2697547312.

ClinVar aggregate classification (germline): Pathogenic (1 of 4 stars; one submission).

Submission:

Labcorp Genetics (formerly Invitae), Labcorp
Classification: Pathogenic. Last evaluated: 2023-07-06. Review status: criteria provided, single submitter. Criteria: Invitae Variant Classification Sherloc (09022015). Collection method: clinical testing. Allele origin: germline.
Comment: For these reasons, this variant has been classified as Pathogenic. This variant disrupts a region of the NDUFAF5 protein in which other variant(s) (p.Met279Arg) have been determined to be pathogenic (PMID: 29581464, 30473481, 30581749, 34177781; Invitae). This suggests that this is a clinically significant region of the protein, and that variants that disrupt it are likely to be disease-causing. Algorithms developed to predict the effect of sequence changes on RNA splicing suggest that this variant may disrupt the consensus splice site. This variant has not been reported in the literature in individuals affected with NDUFAF5-related conditions. This variant is not present in population databases (gnomAD no frequency). This variant, c.823_840del, results in the deletion of 6 amino acid(s) of the NDUFAF5 protein (p.His275_Leu280del), but otherwise preserves the integrity of the reading frame.

Literature cited by the submitters: PubMed 29581464; PubMed 30473481; PubMed 30581749; PubMed 34177781.